The following is an entry in ClinVar:

NM_001098507.2(ZNF207):c.872C>G (p.Ser291Ter)

Gene: ZNF207 (zinc finger protein 207; plus strand). Cytogenetic location: 17q11.2.
Variant type: single nucleotide variant.
Coding change: c.872C>G on transcript NM_001098507.2 (MANE Select); coding-DNA position 872, C replaced by G.
Protein change: p.Ser291Ter; replaces serine 291 with a stop codon.
Molecular consequence: nonsense. On other transcripts: intron variant (1).
Genome position (GRCh38, 1-based): chr17:32,366,708, C>G. VCF-style: chr17-32366708-C-G. GRCh37 (hg19) VCF-style: chr17-30693727-C-G.
Other names: c.824C>G, p.Ser275Ter (NM_003457.4); c.829-1064C>G (NM_001032293.3); short protein forms S275*, S291*.
Identifiers: ClinVar variation 2647658 (VCV002647658.24), dbSNP rs2508360166, ClinGen allele CA399047129.

ClinVar aggregate classification (germline): Uncertain significance (1 of 4 stars; one submission).

Submission:

CeGaT Center for Human Genetics Tuebingen
Classification: Uncertain significance. Last evaluated: 2022-05-01. Review status: criteria provided, single submitter. Criteria: CeGaT Center For Human Genetics Tuebingen Variant Classification Criteria Version 2. Collection method: clinical testing. Allele origin: germline. Affected: yes. Observed: 1 variant allele.
Comment: ZNF207: PM2